The following is an entry in ClinVar:

NM_172364.5(CACNA2D4):c.3055G>A (p.Val1019Met)

Gene: CACNA2D4 (calcium voltage-gated channel auxiliary subunit alpha2delta 4; minus strand). Cytogenetic location: 12p13.33.
Variant type: single nucleotide variant.
Coding change: c.3055G>A on transcript NM_172364.5 (MANE Select); coding-DNA position 3055, G replaced by A.
Protein change: p.Val1019Met; replaces valine 1019 with methionine.
Molecular consequence: missense variant.
Genome position (GRCh38, 1-based): chr12:1,797,476, C>T on the plus strand (G>A on the coding strand, the complement: CACNA2D4 is on the minus strand). VCF-style: chr12-1797476-C-T. GRCh37 (hg19) VCF-style: chr12-1906642-C-T.
Other names: short protein forms V1019M.
Identifiers: ClinVar variation 2983490 (VCV002983490.3), dbSNP rs1024850211, ClinGen allele CA231520372.

ClinVar aggregate classification (germline): Uncertain significance (1 of 4 stars; one submission).

Allele frequency attached by ClinVar (database versions not stated): gnomAD 0.00001; gnomAD exomes 0.00001; TOPMed 0.00001.
gnomAD v4.1: 10 of 1,586,658 alleles (0.00063%); highest among the groups gnomAD compares: Non-Finnish European, 0.00086%; no homozygotes.

Submission:

Labcorp Genetics (formerly Invitae), Labcorp
Classification: Uncertain significance. Last evaluated: 2023-11-28. Review status: criteria provided, single submitter. Criteria: Invitae Variant Classification Sherloc (09022015). Collection method: clinical testing. Allele origin: germline.
Comment: This sequence change replaces valine, which is neutral and non-polar, with methionine, which is neutral and non-polar, at codon 1019 of the CACNA2D4 protein (p.Val1019Met). This variant is not present in population databases (gnomAD no frequency). This variant has not been reported in the literature in individuals affected with CACNA2D4-related conditions. An algorithm developed to predict the effect of missense changes on protein structure and function (PolyPhen-2) suggests that this variant is likely to be tolerated. In summary, the available evidence is currently insufficient to determine the role of this variant in disease. Therefore, it has been classified as a Variant of Uncertain Significance.